The following is an entry in ClinVar:

NM_002946.5(RPA2):c.767A>G (p.Tyr256Cys)

Gene: RPA2 (replication protein A2; minus strand). Cytogenetic location: 1p35.3.
Variant type: single nucleotide variant.
Coding change: c.767A>G on transcript NM_002946.5 (MANE Select); coding-DNA position 767, A replaced by G.
Protein change: p.Tyr256Cys; replaces tyrosine 256 with cysteine.
Molecular consequence: missense variant.
Genome position (GRCh38, 1-based): chr1:27,892,209, T>C on the plus strand (A>G on the coding strand, the complement: RPA2 is on the minus strand). VCF-style: chr1-27892209-T-C. GRCh37 (hg19) VCF-style: chr1-28218720-T-C.
Other names: c.479A>G, p.Tyr160Cys (NM_001286076.2, NM_001355128.2); c.791A>G, p.Tyr264Cys (NM_001297558.1); c.779A>G, p.Tyr260Cys (NM_001355129.2); short protein forms Y160C, Y256C, Y260C, Y264C.
Identifiers: ClinVar variation 4855360 (VCV004855360.1).

ClinVar aggregate classification (germline): Uncertain significance (1 of 4 stars; one submission).

Conditions:
RPA2-related disorder.

gnomAD v4.1: 1 of 1,613,374 alleles (0.000062%); highest among the groups gnomAD compares: Non-Finnish European, 0.000085%; no homozygotes.

Submission:

3billion
Classification: Uncertain significance for RPA2-related disorder. Last evaluated: 2025-08-14. Review status: criteria provided, single submitter. Criteria: ACMG Guidelines, 2015. Collection method: clinical testing. Allele origin: germline. Affected: yes.
Comment: The variant is observed at an extremely low frequency in the gnomAD v4.1.0 dataset (total allele frequency: <0.001%). Predicted Consequence/Location: Missense variant Functional studies provide moderate evidence of the variant having a damaging effect on the gene or gene product (PMID: 39231615). In silico tool predictions suggest damaging effect of the variant on gene or gene product [REVEL: 0.80 (>=0.6, sensitivity 0.68 and specificity 0.92)]. The same nucleotide change resulting in the same amino acid change has been previously reported to be associated with RPA2-related disorder (PMID: 39231615).The variant has been observed in at least two similarly affected unrelated individuals (PMID: 39231615). Therefore, this variant is classified as VUS according to the recommendation of ACMG/AMP guideline.

Literature cited by the submitters: PubMed 39231615.